The following is an entry in ClinVar:

NM_000179.3(MSH6):c.1900_1901del (p.Leu634fs)

Gene: MSH6 (mutS homolog 6; plus strand). Cytogenetic location: 2p16.3.
Variant type: Deletion.
Coding change: c.1900_1901del on transcript NM_000179.3 (MANE Select); coding-DNA positions 1900 to 1901, 2 bases deleted (TT; older notation c.1900_1901delTT).
Protein change: p.Leu634fs; shifts the reading frame from leucine 634.
Molecular consequence: frameshift variant.
Genome position (GRCh38, 1-based): chr2:47,799,883-47,799,884, TT deleted; deleting any 2 consecutive bases within chr2:47,799,882-47,799,884 gives the same sequence; the c. name uses the placement nearest the transcript's 3' end. VCF-style (leftmost placement, unchanged base first): chr2-47799881-CTT-C. GRCh37 (hg19) VCF-style: chr2-48027020-CTT-C.
Other names: c.1510_1511del, p.Leu504fs (NM_001281492.2); c.994_995del, p.Leu332fs (NM_001281493.2, NM_001281494.2); c.1900_1901delTT (NM_000179.2); short protein forms L504fs, L332fs, L634fs.
Identifiers: ClinVar variation 142678 (VCV000142678.6), dbSNP rs587782638, ClinGen allele CA009413.

ClinVar aggregate classification (germline): Pathogenic. Review status: criteria provided, multiple submitters, no conflicts (2 of 4 stars). 2 submissions from 2 submitters: Pathogenic (2). Last evaluated 2023-08-16.

Conditions:
Hereditary cancer-predisposing syndrome. Also called: Hereditary Cancer Syndrome; Neoplastic Syndromes, Hereditary; Hereditary neoplastic syndrome; Tumor predisposition. Identifiers: Orphanet 140162, MedGen C0027672, MeSH D009386, MONDO:0015356.
Lynch syndrome 5 (LYNCH5). Also called: Colorectal cancer, hereditary nonpolyposis, type 5; Hereditary non-polyposis colorectal cancer, type 5. Identifiers: Orphanet 144, MedGen C1833477, MONDO:0013710, OMIM 614350. Disease mechanism: loss of function.

Submissions (2):

Myriad Genetics, Inc.
Classification: Pathogenic for Lynch syndrome 5. Last evaluated: 2023-08-16. Review status: criteria provided, single submitter. Criteria: Myriad Autosomal Dominant, Autosomal Recessive and X-Linked Classification Criteria (2023). Collection method: clinical testing. Allele origin: unknown.
Comment: This variant is considered pathogenic. This variant creates a frameshift predicted to result in premature protein truncation.

Ambry Genetics
Classification: Pathogenic for Hereditary cancer-predisposing syndrome. Last evaluated: 2018-01-25. Review status: criteria provided, single submitter. Criteria: Ambry Variant Classification Scheme 2023. Collection method: clinical testing. Allele origin: germline.
Comment: The c.1900_1901delTT pathogenic mutation, located in coding exon 4 of the MSH6 gene, results from a deletion of two nucleotides at nucleotide positions 1900 to 1901, causing a translational frameshift with a predicted alternate stop codon (p.L634Efs*5). This alteration is expected to result in loss of function by premature protein truncation or nonsense-mediated mRNA decay. As such, this alteration is interpreted as a disease-causing mutation.